The following is an entry in ClinVar:

ClinVar aggregate classification (germline): Uncertain significance (1 of 4 stars; one submission).

Conditions:
Pseudohypoaldosteronism type 2B (PHA2B). Also called: Pseudohypoaldosteronism Type IIB. Identifiers: Orphanet 757, Orphanet 88939, MedGen C1840390, MONDO:0013777, OMIM 614491.

Submission:

OLLIN Analises Genomicas, OLLIN
Classification: Uncertain significance for Pseudohypoaldosteronism type 2B. Last evaluated: 2026-08-06. Review status: criteria provided, single submitter. Criteria: ACMG Guidelines 2015 PMID 25741868. Collection method: clinical testing. Allele origin: germline.
Comment: This frameshift variant, located in exon 18 (of 19), has been observed in gnomAD with an allele frequency of 0.000805%, but has not been reported in ClinVar or identified in the literature. This variant causes a frameshift and introduces a premature stop codon, which is predicted to result in either a truncated protein or degradation of the mRNA via nonsense-mediated decay (NMD). According to the currently available evidence, this variant has been classified as uncertain significance (PM2_P).

NM_032387.5(WNK4):c.3652_3653del (p.Leu1218fs)

Gene: WNK4 (WNK lysine deficient protein kinase 4; plus strand). Cytogenetic location: 17q21.2.
Variant type: Microsatellite.
Coding change: c.3652_3653del on transcript NM_032387.5 (MANE Select); coding-DNA positions 3652 to 3653, 2 bases deleted (CT; older notation c.3652_3653delCT).
Protein change: p.Leu1218fs; shifts the reading frame from leucine 1218.
Molecular consequence: frameshift variant.
Genome position (GRCh38, 1-based): chr17:42,796,501-42,796,502, CT deleted; deleting any 2 consecutive bases within chr17:42,796,497-42,796,502 gives the same sequence; the c. name uses the placement nearest the transcript's 3' end. VCF-style (leftmost placement, unchanged base first): chr17-42796496-ACT-A. GRCh37 (hg19) VCF-style: chr17-40948514-ACT-A.
Other names: c.2644_2645del, p.Leu882fs (NM_001321299.2); short protein forms L1218fs, L882fs.
Identifiers: ClinVar variation 5002712 (VCV005002712.1).